The following is an entry in ClinVar:

ClinVar aggregate classification (germline): Conflicting classifications of pathogenicity. Review status: criteria provided, conflicting classifications (1 of 4 stars). 2 submissions from 2 submitters: Likely pathogenic (1); Uncertain significance (1). Last evaluated 2026-01-05.

Conditions:
Inborn genetic diseases. Identifiers: MedGen C0950123, MeSH D030342.

Allele frequency attached by ClinVar (database versions not stated): TOPMed below 0.00001; gnomAD 0.00001; gnomAD exomes 0.00001 and 0.00002; ExAC 0.00002.
gnomAD v4.1: 15 of 1,613,574 alleles (0.00093%); highest among the groups gnomAD compares: South Asian, 0.0044%; no homozygotes.

Submissions (2):

Labcorp Genetics (formerly Invitae), Labcorp
Classification: Likely pathogenic. Last evaluated: 2026-01-05. Review status: criteria provided, single submitter. Criteria: Invitae Variant Classification Sherloc (09022015). Collection method: clinical testing. Allele origin: germline.
Comment: This sequence change replaces alanine, which is neutral and non-polar, with valine, which is neutral and non-polar, at codon 229 of the PGAP2 protein (p.Ala229Val). This variant is present in population databases (rs753497329, gnomAD 0.01%). This missense change has been observed in individuals with clinical features of hyperphosphatasia (PMID: 38365198, 39687712; internal data). It has also been observed to segregate with disease in related individuals. This variant is also known as c.869C>T (p.Ala290Val). ClinVar contains an entry for this variant (Variation ID: 522123). Invitae Evidence Modeling of protein sequence and biophysical properties (such as structural, functional, and spatial information, amino acid conservation, physicochemical variation, residue mobility, and thermodynamic stability) indicates that this missense variant is not expected to disrupt PGAP2 protein function with a negative predictive value of 80%. In summary, the currently available evidence indicates that the variant is pathogenic, but additional data are needed to prove that conclusively. Therefore, this variant has been classified as Likely Pathogenic.

Ambry Genetics
Classification: Uncertain significance for Inborn genetic diseases. Last evaluated: 2023-06-21. Review status: criteria provided, single submitter. Criteria: Ambry Variant Classification Scheme 2023. Collection method: clinical testing. Allele origin: germline.
Comment: The c.869C>T (p.A290V) alteration is located in exon 7 (coding exon 6) of the PGAP2 gene. This alteration results from a C to T substitution at nucleotide position 869, causing the alanine (A) at amino acid position 290 to be replaced by a valine (V). Based on data from gnomAD, the T allele has an overall frequency of 0.002% (4/251380) total alleles studied. The highest observed frequency was 0.01% (3/30614) of South Asian alleles. This amino acid position is highly conserved in available vertebrate species. The in silico prediction for this alteration is inconclusive. Based on insufficient or conflicting evidence, the clinical significance of this alteration remains unclear.

Literature cited by the submitters: PubMed 38365198 (cited by Labcorp Genetics (formerly Invitae), Labcorp); PubMed 39687712 (cited by Labcorp Genetics (formerly Invitae), Labcorp).

NM_014489.4(PGAP2):c.869C>T (p.Ala290Val)

Gene: PGAP2 (post-GPI attachment to proteins 2; plus strand). Cytogenetic location: 11p15.4.
Variant type: single nucleotide variant.
Coding change: c.869C>T on transcript NM_014489.4 (MANE Select); coding-DNA position 869, C replaced by T.
Protein change: p.Ala290Val; replaces alanine 290 with valine.
Molecular consequence: missense variant. On other transcripts: 3 prime UTR variant (5), non-coding transcript variant (15).
Genome position (GRCh38, 1-based): chr11:3,825,379, C>T. VCF-style: chr11-3825379-C-T. GRCh37 (hg19) VCF-style: chr11-3846609-C-T.
Other names: c.674C>T, p.Ala225Val (NM_001145438.3, NM_001256239.2, NM_001346400.2); c.740C>T, p.Ala247Val (NM_001256235.2); c.869C>T, p.Ala290Val (NM_001256236.2); c.*60C>T (NM_001256237.2, NM_001256238.2, NM_001283039.2 and 5 more transcripts); c.686C>T, p.Ala229Val (NM_001256240.2, NM_001283038.2, NM_001346398.2 and 1 more transcripts); c.839C>T, p.Ala280Val (NM_001346397.2); c.806C>T, p.Ala269Val (NM_001346402.2); short protein forms A247V, A290V, A347V, A229V, A269V, A282V, A286V, A225V.
Identifiers: ClinVar variation 522123 (VCV000522123.10), dbSNP rs753497329, ClinGen allele CA5829932.